The following is an entry in ClinVar:

ClinVar aggregate classification (germline): Uncertain significance (1 of 4 stars; one submission).

Conditions:
Epidermodysplasia verruciformis. Identifiers: Orphanet 302, MedGen C0014522, MONDO:0009176.

Allele frequency attached by ClinVar (database versions not stated): ExAC 0.00003; gnomAD 0.00005 and 0.00006; TOPMed 0.00007.
gnomAD v4.1: 32 of 1,610,246 alleles (0.002%); highest among the groups gnomAD compares: African/African-American, 0.017%; no homozygotes.

Submission:

Labcorp Genetics (formerly Invitae), Labcorp
Classification: Uncertain significance for Epidermodysplasia verruciformis. Last evaluated: 2024-12-09. Review status: criteria provided, single submitter. Criteria: Invitae Variant Classification Sherloc (09022015). Collection method: clinical testing. Allele origin: germline.
Comment: This sequence change replaces alanine, which is neutral and non-polar, with threonine, which is neutral and polar, at codon 297 of the TMC6 protein (p.Ala297Thr). This variant is present in population databases (rs750652637, gnomAD 0.02%). This variant has not been reported in the literature in individuals affected with TMC6-related conditions. ClinVar contains an entry for this variant (Variation ID: 1516018). An algorithm developed to predict the effect of missense changes on protein structure and function (PolyPhen-2) suggests that this variant¬†is likely to be tolerated. In summary, the available evidence is currently insufficient to determine the role of this variant in disease. Therefore, it has been classified as a Variant of Uncertain Significance.

NM_001127198.5(TMC6):c.889G>A (p.Ala297Thr)

Gene: TMC6 (transmembrane channel like 6; minus strand). Cytogenetic location: 17q25.3.
Variant type: single nucleotide variant.
Coding change: c.889G>A on transcript NM_001127198.5 (MANE Select); coding-DNA position 889, G replaced by A.
Protein change: p.Ala297Thr; replaces alanine 297 with threonine.
Molecular consequence: missense variant. On other transcripts: non-coding transcript variant (4).
Genome position (GRCh38, 1-based): chr17:78,124,526, C>T on the plus strand (G>A on the coding strand, the complement: TMC6 is on the minus strand). VCF-style: chr17-78124526-C-T. GRCh37 (hg19) VCF-style: chr17-76120607-C-T.
Other names: c.889G>A, p.Ala297Thr (NM_001321185.1, NM_001374593.1, NM_001374594.1 and 4 more transcripts); short protein forms A297T.
Identifiers: ClinVar variation 1516018 (VCV001516018.5), dbSNP rs750652637, ClinGen allele CA8795978.